The following is an entry in ClinVar:

ClinVar aggregate classification (germline): Likely benign (1 of 4 stars; one submission).

Allele frequency attached by ClinVar (database versions not stated): gnomAD exomes 0.00002; TOPMed 0.00007; gnomAD 0.00010; 1000 Genomes Project 30x 0.00094; 1000 Genomes Project 0.00100.
gnomAD v4.1: 35 of 985,960 alleles (0.0035%); highest among the groups gnomAD compares: East Asian, 0.25%; no homozygotes.

Submission:

CeGaT Center for Human Genetics Tuebingen
Classification: Likely benign. Last evaluated: 2022-11-01. Review status: criteria provided, single submitter. Criteria: CeGaT Center For Human Genetics Tuebingen Variant Classification Criteria Version 2. Collection method: clinical testing. Allele origin: germline. Affected: yes. Observed: 1 variant allele.
Comment: HMCN2: BP4, BP7

NM_001291815.2(HMCN2):c.6192G>A (p.Ala2064=)

Gene: HMCN2 (hemicentin 2; plus strand). Cytogenetic location: 9q34.11.
Variant type: single nucleotide variant.
Coding change: c.6192G>A on transcript NM_001291815.2 (MANE Select); coding-DNA position 6192, G replaced by A.
Protein change: p.Ala2064=; no amino-acid change (alanine 2064 retained).
Molecular consequence: synonymous variant.
Genome position (GRCh38, 1-based): chr9:130,362,950, G>A. VCF-style: chr9-130362950-G-A. GRCh37 (hg19) VCF-style: chr9-133238337-G-A.
Identifiers: ClinVar variation 2659592 (VCV002659592.24), dbSNP rs571492167, ClinGen allele CA200576951.